The following is an entry in ClinVar:

ClinVar aggregate classification (germline): Uncertain significance. Review status: criteria provided, multiple submitters, no conflicts (2 of 4 stars). 2 submissions from 2 submitters: Uncertain significance (2). Last evaluated 2023-08-24.

Conditions:
Specific granule deficiency. Identifiers: Orphanet 169142, MedGen C0398593, MONDO:0009506.

gnomAD v4.1: 2 of 1,609,322 alleles (0.00012%); highest among the groups gnomAD compares: South Asian, 0.0022%; no homozygotes.

Submissions (2):

Revvity Omics, Revvity
Classification: Uncertain significance. Last evaluated: 2023-08-24. Review status: criteria provided, single submitter. Criteria: ACMG Guidelines, 2015. Collection method: clinical testing. Allele origin: germline.

Labcorp Genetics (formerly Invitae), Labcorp
Classification: Uncertain significance for Specific granule deficiency. Last evaluated: 2018-10-20. Review status: criteria provided, single submitter. Criteria: Invitae Variant Classification Sherloc (09022015). Collection method: clinical testing. Allele origin: germline.
Comment: In summary, this variant has uncertain impact on CEBPE function. The available evidence is currently insufficient to determine its role in disease. Therefore, it has been classified as a Variant of Uncertain Significance. Algorithms developed to predict the effect of sequence changes on RNA splicing suggest that this variant may create or strengthen a splice site, but this prediction has not been confirmed by published transcriptional studies. Algorithms developed to predict the effect of missense changes on protein structure and function do not agree on the potential impact of this missense change (SIFT: "Tolerated"; PolyPhen-2: "Probably Damaging"; Align-GVGD: "Class C0"). This variant has not been reported in the literature in individuals with a CEBPE-related disease. This variant is not present in population databases (ExAC no frequency). This sequence change replaces leucine with valine at codon 166 of the CEBPE protein (p.Leu166Val). The leucine residue is highly conserved and there is a small physicochemical difference between leucine and valine.

NM_001805.4(CEBPE):c.496C>G (p.Leu166Val)

Gene: CEBPE (CCAAT enhancer binding protein epsilon; minus strand). Cytogenetic location: 14q11.2.
Variant type: single nucleotide variant.
Coding change: c.496C>G on transcript NM_001805.4 (MANE Select); coding-DNA position 496, C replaced by G.
Protein change: p.Leu166Val; replaces leucine 166 with valine.
Molecular consequence: missense variant.
Genome position (GRCh38, 1-based): chr14:23,118,596, G>C on the plus strand (C>G on the coding strand, the complement: CEBPE is on the minus strand). VCF-style: chr14-23118596-G-C. GRCh37 (hg19) VCF-style: chr14-23587805-G-C.
Other names: short protein forms L166V.
Identifiers: ClinVar variation 461467 (VCV000461467.12), dbSNP rs1273577069, ClinGen allele CA388952917.